The following is an entry in ClinVar:

ClinVar aggregate classification (germline): Likely benign (0 of 4 stars; one submission).

Conditions:
UNC13A-related disorder. Also called: UNC13A-related condition.

gnomAD v4.1: 27 of 1,510,598 alleles (0.0018%); highest among the groups gnomAD compares: African/African-American, 0.034%; no homozygotes.

Submission:

PreventionGenetics, part of Exact Sciences
Classification: Likely benign for UNC13A-related condition. Last evaluated: 2023-06-23. Review status: no assertion criteria provided. Collection method: clinical testing. Allele origin: germline.
Comment: This variant is classified as likely benign based on ACMG/AMP sequence variant interpretation guidelines (Richards et al. 2015 PMID: 25741868, with internal and published modifications).

NM_001080421.3(UNC13A):c.768-9T>C

Gene: UNC13A (unc-13 homolog A; minus strand). Cytogenetic location: 19p13.11.
Variant type: single nucleotide variant.
Coding change: c.768-9T>C on transcript NM_001080421.3 (MANE Select); 9 bases into the intron before coding-DNA position 768, T replaced by C.
Molecular consequence: intron variant.
Genome position (GRCh38, 1-based): chr19:17,656,407, A>G on the plus strand (T>C on the coding strand, the complement: UNC13A is on the minus strand). VCF-style: chr19-17656407-A-G. GRCh37 (hg19) VCF-style: chr19-17767216-A-G.
Other names: c.768-9T>C (NM_001387022.1, NM_001387023.1, NM_001387021.1).
Identifiers: ClinVar variation 3354814 (VCV003354814.1).